The following is an entry in ClinVar:

ClinVar aggregate classification (germline): Pathogenic/Likely pathogenic. Review status: criteria provided, multiple submitters, no conflicts (2 of 4 stars). 3 submissions from 3 submitters: Pathogenic (2); Likely pathogenic (1). Last evaluated 2025-10-07.

Conditions:
Early-infantile DEE. Also called: Early infantile epileptic encephalopathy with suppression bursts; Ohtahara syndrome; Early infantile epileptic encephalopathy. Identifiers: Orphanet 1934, MedGen C0393706, MONDO:0800491.
Inborn genetic diseases. Identifiers: MedGen C0950123, MeSH D030342.

Submissions (3):

Ambry Genetics
Classification: Pathogenic for Inborn genetic diseases. Last evaluated: 2025-10-07. Review status: criteria provided, single submitter. Criteria: Ambry Variant Classification Scheme 2023. Collection method: clinical testing. Allele origin: germline.
Comment: The c.285C>A (p.Y95*) alteration, located in exon 1 (coding exon 1) of the KCNQ2 gene, consists of a C to A substitution at nucleotide position 285. This changes the amino acid from a tyrosine (Y) to a stop codon at amino acid position 95. This alteration is expected to result in loss of function by premature protein truncation or nonsense-mediated mRNA decay. This variant was not reported in population-based cohorts in the Genome Aggregation Database (gnomAD). Based on the available evidence, this alteration is classified as pathogenic.

Labcorp Genetics (formerly Invitae), Labcorp
Classification: Pathogenic for Early-infantile DEE. Last evaluated: 2020-12-13. Review status: criteria provided, single submitter. Criteria: Invitae Variant Classification Sherloc (09022015). Collection method: clinical testing. Allele origin: germline.
Comment: For these reasons, this variant has been classified as Pathogenic. Loss-of-function variants in KCNQ2 are known to be pathogenic (PMID: 14534157, 23692823, 27779742). This variant has not been reported in the literature in individuals with KCNQ2-related conditions. ClinVar contains an entry for this variant (Variation ID: 449910). The frequency data for this variant in the population databases is considered unreliable, as metrics indicate insufficient coverage at this position in the ExAC database. This sequence change creates a premature translational stop signal (p.Tyr95*) in the KCNQ2 gene. It is expected to result in an absent or disrupted protein product.

GeneDx
Classification: Likely pathogenic. Last evaluated: 2017-04-03. Review status: criteria provided, single submitter. Criteria: GeneDx Variant Classification (06012015). Collection method: clinical testing. Allele origin: germline. Affected: yes.
Comment: A variant that is likely pathogenic has been identified in the KCNQ2 gene. The Y95X variant has not been published as a pathogenic variant, nor has it been reported as a benign variant to our knowledge. The Y95X nonsense variant is predicted to cause loss of normal protein function either through protein truncation or nonsense-mediated mRNA decay. The Y95X variant is not observed in large population cohorts (Lek et al., 2016; 1000 Genomes Consortium et al., 2015; Exome Variant Server). Therefore, this variant is likely pathogenic; however, the possibility that it is benign cannot be excluded.

Literature cited by the submitters: PubMed 14534157 (cited by Labcorp Genetics (formerly Invitae), Labcorp); PubMed 23692823 (cited by Labcorp Genetics (formerly Invitae), Labcorp); PubMed 27779742 (cited by Labcorp Genetics (formerly Invitae), Labcorp).

NM_172107.4(KCNQ2):c.285C>A (p.Tyr95Ter)

Gene: KCNQ2 (potassium voltage-gated channel subfamily Q member 2; minus strand). Cytogenetic location: 20q13.33.
Variant type: single nucleotide variant.
Coding change: c.285C>A on transcript NM_172107.4 (MANE Select); coding-DNA position 285, C replaced by A.
Protein change: p.Tyr95Ter; replaces tyrosine 95 with a stop codon.
Molecular consequence: nonsense.
Genome position (GRCh38, 1-based): chr20:63,472,179, G>T on the plus strand (C>A on the coding strand, the complement: KCNQ2 is on the minus strand). VCF-style: chr20-63472179-G-T. GRCh37 (hg19) VCF-style: chr20-62103532-G-T.
Other names: c.285C>A, p.Tyr95Ter (NM_004518.6, NM_172106.3, NM_172108.5 and 1 more transcripts); short protein forms Y95*.
Identifiers: ClinVar variation 449910 (VCV000449910.10), dbSNP rs1555881741, ClinGen allele CA409634993.